The following is an entry in ClinVar:

NM_001377.3(DYNC2H1):c.1157C>T (p.Ser386Phe)

Gene: DYNC2H1 (dynein cytoplasmic 2 heavy chain 1; plus strand). Cytogenetic location: 11q22.3.
Variant type: single nucleotide variant.
Coding change: c.1157C>T on transcript NM_001377.3 (MANE Select); coding-DNA position 1157, C replaced by T.
Protein change: p.Ser386Phe; replaces serine 386 with phenylalanine.
Molecular consequence: missense variant.
Genome position (GRCh38, 1-based): chr11:103,120,711, C>T. VCF-style: chr11-103120711-C-T. GRCh37 (hg19) VCF-style: chr11-102991440-C-T.
Other names: c.1157C>T, p.Ser386Phe (NM_001080463.2); short protein forms S386F.
Identifiers: ClinVar variation 1318999 (VCV001318999.11), dbSNP rs541038013, ClinGen allele CA6252703.

ClinVar aggregate classification (germline): Conflicting classifications of pathogenicity. Review status: criteria provided, conflicting classifications (1 of 4 stars). 4 submissions from 4 submitters: Uncertain significance (3); Likely benign (1). Last evaluated 2026-01-09.

Conditions:
Inborn genetic diseases. Identifiers: MedGen C0950123, MeSH D030342.
Jeune thoracic dystrophy. Also called: Jeune syndrome; Infantile thoracic dystrophy; Thoracic pelvic phalangeal dystrophy; Jeune's syndrome; Chondroectodermal dysplasia-like syndrome; Short-rib thoracic dysplasia. Identifiers: Orphanet 474, MedGen C0265275, MONDO:0018770.

Allele frequency attached by ClinVar (database versions not stated): TOPMed 0.00002; gnomAD 0.00008; gnomAD exomes 0.00010 and 0.00016; ExAC 0.00019; 1000 Genomes Project 30x 0.00062; 1000 Genomes Project 0.00080.
gnomAD v4.1: 161 of 1,610,414 alleles (0.01%); highest among the groups gnomAD compares: South Asian, 0.17%; 1 homozygote.

Submissions (4):

Labcorp Genetics (formerly Invitae), Labcorp
Classification: Likely benign for Jeune thoracic dystrophy. Last evaluated: 2026-01-09. Review status: criteria provided, single submitter. Criteria: Invitae Variant Classification Sherloc (09022015). Collection method: clinical testing. Allele origin: germline.

Blueprint Genetics
Classification: Uncertain significance. Last evaluated: 2024-03-09. Review status: criteria provided, single submitter. Criteria: ACMG Guidelines, 2015. Collection method: clinical testing. Allele origin: germline.

Ambry Genetics
Classification: Uncertain significance for Inborn genetic diseases. Last evaluated: 2022-01-10. Review status: criteria provided, single submitter. Criteria: Ambry Variant Classification Scheme 2023. Collection method: clinical testing. Allele origin: germline.

GeneDx
Classification: Uncertain significance. Last evaluated: 2019-04-15. Review status: criteria provided, single submitter. Criteria: GeneDx Variant Classification Process June 2021. Collection method: clinical testing. Allele origin: germline. Affected: yes.
Comment: In silico analysis, which includes protein predictors and evolutionary conservation, supports a deleterious effect; Has not been previously published as pathogenic or benign to our knowledge; In-silico analysis, which includes splice predictors and evolutionary conservation, is inconclusive as to whether the variant alters gene splicing. In the absence of RNA/functional studies, the actual effect of this sequence change is unknown.